The following is an entry in ClinVar:

ClinVar aggregate classification (germline): Likely benign. Review status: criteria provided, single submitter (1 of 4 stars). 2 submissions from 2 submitters: Likely benign (1). 1 of the submissions does not count toward it. Last evaluated 2023-12-29.

Conditions:
ABCC2-related disorder. Also called: ABCC2-related condition.

gnomAD v4.1: 14 of 1,614,062 alleles (0.00087%); highest among the groups gnomAD compares: African/African-American, 0.012%; no homozygotes.

Submissions (2):

Labcorp Genetics (formerly Invitae), Labcorp
Classification: Likely benign. Last evaluated: 2023-12-29. Review status: criteria provided, single submitter. Criteria: Invitae Variant Classification Sherloc (09022015). Collection method: clinical testing. Allele origin: germline.

PreventionGenetics, part of Exact Sciences
Classification: Likely benign for ABCC2-related condition. Last evaluated: 2022-02-11. Review status: no assertion criteria provided. Collection method: clinical testing. Allele origin: germline. Not counted in ClinVar's aggregate classification.
Comment: This variant is classified as likely benign based on ACMG/AMP sequence variant interpretation guidelines (Richards et al. 2015 PMID: 25741868, with internal and published modifications).

NM_000392.5(ABCC2):c.3648C>T (p.Asn1216=)

Gene: ABCC2 (ATP binding cassette subfamily C member 2; plus strand). Cytogenetic location: 10q24.2.
Variant type: single nucleotide variant.
Coding change: c.3648C>T on transcript NM_000392.5 (MANE Select); coding-DNA position 3648, C replaced by T.
Protein change: p.Asn1216=; no amino-acid change (asparagine 1216 retained).
Molecular consequence: synonymous variant.
Genome position (GRCh38, 1-based): chr10:99,842,000, C>T. VCF-style: chr10-99842000-C-T. GRCh37 (hg19) VCF-style: chr10-101601757-C-T.
Other names: c.3648C>T (NM_000392.4).
Identifiers: ClinVar variation 2789331 (VCV002789331.5), dbSNP rs144967259, ClinGen allele CA5643904.